The following is an entry in ClinVar:

NM_002691.4(POLD1):c.1298A>C (p.Asp433Ala)

Gene: POLD1 (DNA polymerase delta 1, catalytic subunit; plus strand). Cytogenetic location: 19q13.33.
Variant type: single nucleotide variant.
Coding change: c.1298A>C on transcript NM_002691.4 (MANE Select); coding-DNA position 1298, A replaced by C.
Protein change: p.Asp433Ala; replaces aspartic acid 433 with alanine.
Molecular consequence: missense variant. On other transcripts: non-coding transcript variant (1).
Genome position (GRCh38, 1-based): chr19:50,406,237, A>C. VCF-style: chr19-50406237-A-C. GRCh37 (hg19) VCF-style: chr19-50909494-A-C.
Other names: c.1298A>C, p.Asp433Ala (NM_001256849.1, NM_001308632.1); c.1298A>C (NM_002691.2); short protein forms D433A.
Identifiers: ClinVar variation 239229 (VCV000239229.6), dbSNP rs767560532, ClinGen allele CA10583825.

ClinVar aggregate classification (germline): Uncertain significance. Review status: criteria provided, multiple submitters, no conflicts (2 of 4 stars). 2 submissions from 2 submitters: Uncertain significance (2). Last evaluated 2025-01-25.

Conditions:
Hereditary cancer-predisposing syndrome. Also called: Hereditary Cancer Syndrome; Neoplastic Syndromes, Hereditary; Hereditary neoplastic syndrome; Tumor predisposition. Identifiers: Orphanet 140162, MedGen C0027672, MeSH D009386, MONDO:0015356.
POLD1-related polyposis and colorectal cancer syndrome (CRCS10). Also called: COLORECTAL CANCER, SUSCEPTIBILITY TO, ON CHROMOSOME 19q; Colorectal cancer 10; Colorectal cancer, susceptibility to, 10. Identifiers: Orphanet 220460, MedGen C2675481, MONDO:0012953, OMIM 612591.

Submissions (2):

Ambry Genetics
Classification: Uncertain significance for Hereditary cancer-predisposing syndrome. Last evaluated: 2025-01-25. Review status: criteria provided, single submitter. Criteria: Ambry Variant Classification Scheme 2023. Collection method: clinical testing. Allele origin: germline.
Comment: The p.D433A variant (also known as c.1298A>C), located in coding exon 10 of the POLD1 gene, results from an A to C substitution at nucleotide position 1298. The aspartic acid at codon 433 is replaced by alanine, an amino acid with dissimilar properties. This amino acid position is well conserved in available vertebrate species. In addition, this alteration is predicted to be tolerated by in silico analysis. Based on the available evidence, the clinical significance of this variant remains unclear.

Labcorp Genetics (formerly Invitae), Labcorp
Classification: Uncertain significance for POLD1-related polyposis and colorectal cancer syndrome. Last evaluated: 2022-12-21. Review status: criteria provided, single submitter. Criteria: Invitae Variant Classification Sherloc (09022015). Collection method: clinical testing. Allele origin: germline.
Comment: In summary, the available evidence is currently insufficient to determine the role of this variant in disease. Therefore, it has been classified as a Variant of Uncertain Significance. RNA analysis performed to evaluate the impact of this missense change on mRNA splicing indicates it does not significantly alter splicing (Invitae). Advanced modeling of protein sequence and biophysical properties (such as structural, functional, and spatial information, amino acid conservation, physicochemical variation, residue mobility, and thermodynamic stability) performed at Invitae indicates that this missense variant is not expected to disrupt POLD1 protein function. ClinVar contains an entry for this variant (Variation ID: 239229). This variant has not been reported in the literature in individuals affected with POLD1-related conditions. This variant is not present in population databases (gnomAD no frequency). This sequence change replaces aspartic acid, which is acidic and polar, with alanine, which is neutral and non-polar, at codon 433 of the POLD1 protein (p.Asp433Ala).